The following is an entry in ClinVar:

ClinVar aggregate classification (germline): Pathogenic (1 of 4 stars; one submission).

Conditions:
Marfan syndrome (MFS). Also called: MARFAN SYNDROME, TYPE I; Marfan syndrome type 1; Marfan's syndrome; Marfan syndrome, classic; FBN1-Related Marfan Syndrome. Identifiers: Orphanet 284963, Orphanet 558, MedGen C0024796, MONDO:0007947, OMIM 154700.
Familial thoracic aortic aneurysm and aortic dissection (TAAD). Also called: Thoracic aortic aneurysms and dissections. Identifiers: Orphanet 91387, MedGen C4707243, MONDO:0019625.

Submission:

Labcorp Genetics (formerly Invitae), Labcorp
Classification: Pathogenic for Marfan syndrome; Familial thoracic aortic aneurysm and aortic dissection. Last evaluated: 2024-08-21. Review status: criteria provided, single submitter. Criteria: Invitae Variant Classification Sherloc (09022015). Collection method: clinical testing. Allele origin: germline.
Comment: This sequence change affects a splice site in intron 50 of the FBN1 gene. It is expected to disrupt RNA splicing. Variants that disrupt the donor or acceptor splice site typically lead to a loss of protein function (PMID: 16199547), and loss-of-function variants in FBN1 are known to be pathogenic (PMID: 17657824, 19293843). This variant is not present in population databases (gnomAD no frequency). Disruption of this splice site has been observed in individual(s) with clinical features of Marfan syndrome (internal data). In at least one individual the variant was observed to be de novo. Algorithms developed to predict the effect of sequence changes on RNA splicing suggest that this variant may disrupt the consensus splice site. For these reasons, this variant has been classified as Pathogenic.

Literature cited by the submitters: PubMed 16199547; PubMed 17657824; PubMed 19293843.

NM_000138.5(FBN1):c.6163+1_6163+2del

Gene: FBN1 (fibrillin 1; minus strand). Cytogenetic location: 15q21.1.
Variant type: Deletion.
Coding change: c.6163+1_6163+2del on transcript NM_000138.5 (MANE Select); the canonical splice donor site of the intron after coding-DNA position 6163, 2 bases deleted (GT; older notation c.6163+1_6163+2delGT).
Molecular consequence: splice donor variant.
Genome position (GRCh38, 1-based): chr15:48,441,719-48,441,720, AC deleted on the plus strand (GT on the coding strand, the reverse complement: FBN1 is on the minus strand). VCF-style (leftmost placement, unchanged base first): chr15-48441718-TAC-T. GRCh37 (hg19) VCF-style: chr15-48733915-TAC-T.
Other names: c.6163+1_6163+2del (NM_001406716.1).
Identifiers: ClinVar variation 2948067 (VCV002948067.3), dbSNP rs2505445838, ClinGen allele CA2740096627.